The following is an entry in ClinVar:

NM_001252024.2(TRPM1):c.2557T>C (p.Phe853Leu)

Gene: TRPM1 (transient receptor potential cation channel subfamily M member 1; minus strand). Cytogenetic location: 15q13.3.
Variant type: single nucleotide variant.
Coding change: c.2557T>C on transcript NM_001252024.2 (MANE Select); coding-DNA position 2557, T replaced by C.
Protein change: p.Phe853Leu; replaces phenylalanine 853 with leucine.
Molecular consequence: missense variant.
Genome position (GRCh38, 1-based): chr15:31,037,725, A>G on the plus strand (T>C on the coding strand, the complement: TRPM1 is on the minus strand). VCF-style: chr15-31037725-A-G. GRCh37 (hg19) VCF-style: chr15-31329928-A-G.
Other names: c.2491T>C (NM_002420.4); c.2608T>C, p.Phe870Leu (NM_001252020.2); c.2491T>C, p.Phe831Leu (NM_002420.6); short protein forms F870L, F831L, F853L.
Identifiers: ClinVar variation 854110 (VCV000854110.12), dbSNP rs748304340, ClinGen allele CA7452160.
Genomic context (GRCh38, chr15:31,037,725, plus strand): 5'-GCATTCAAAATATACTGAATGTCAAATGTTCAGGAGGAGGCCTCACTGTGTAAAACCAGA[A>G]CTTGACAATGGGCGCGTTATAGAATTCACAGATCTTTGTTCCGATGGGAATACTTCTCTG-3'
Protein context (NP_001238953.1, residues 843-863): CEFYNAPIVK[Phe853Leu]WFYTISYLGY

ClinVar aggregate classification (germline): Conflicting classifications of pathogenicity. Review status: criteria provided, conflicting classifications (1 of 4 stars). 4 submissions from 4 submitters: Likely pathogenic (1); Uncertain significance (3). Last evaluated 2024-10-25.

Conditions:
TRPM1-related disorder. Also called: TRPM1-related condition.
Inborn genetic diseases. Identifiers: MedGen C0950123, MeSH D030342.

Allele frequency attached by ClinVar (database versions not stated): gnomAD exomes 0.00001 and 0.00002; ExAC 0.00003; gnomAD 0.00006; TOPMed 0.00012.
gnomAD v4.1: 20 of 1,614,144 alleles (0.0012%); highest among the groups gnomAD compares: Admixed American, 0.018%; no homozygotes.

Submissions (4):

Labcorp Genetics (formerly Invitae), Labcorp
Classification: Uncertain significance. Last evaluated: 2024-10-25. Review status: criteria provided, single submitter. Criteria: Invitae Variant Classification Sherloc (09022015). Collection method: clinical testing. Allele origin: germline.
Comment: This sequence change replaces phenylalanine, which is neutral and non-polar, with leucine, which is neutral and non-polar, at codon 831 of the TRPM1 protein (p.Phe831Leu). This variant is present in population databases (rs748304340, gnomAD 0.009%). This variant has not been reported in the literature in individuals affected with TRPM1-related conditions. ClinVar contains an entry for this variant (Variation ID: 854110). Invitae Evidence Modeling of protein sequence and biophysical properties (such as structural, functional, and spatial information, amino acid conservation, physicochemical variation, residue mobility, and thermodynamic stability) has been performed for this missense variant. However, the output from this modeling did not meet the statistical confidence thresholds required to predict the impact of this variant on TRPM1 protein function. In summary, the available evidence is currently insufficient to determine the role of this variant in disease. Therefore, it has been classified as a Variant of Uncertain Significance.

Ambry Genetics
Classification: Uncertain significance for Inborn genetic diseases. Last evaluated: 2024-04-23. Review status: criteria provided, single submitter. Criteria: Ambry Variant Classification Scheme 2023. Collection method: clinical testing. Allele origin: germline.

Blueprint Genetics
Classification: Likely pathogenic for TRPM1-related disorders. Last evaluated: 2022-11-04. Review status: criteria provided, single submitter. Criteria: ACMG Guidelines, 2015. Collection method: clinical testing. Allele origin: germline. Affected: yes. Observed: 3 variant alleles.

GeneDx
Classification: Uncertain significance. Last evaluated: 2022-06-01. Review status: criteria provided, single submitter. Criteria: GeneDx Variant Classification Process June 2021. Collection method: clinical testing. Allele origin: germline. Affected: yes.
Comment: Not observed at significant frequency in large population cohorts (gnomAD); In silico analysis supports that this missense variant has a deleterious effect on protein structure/function; Has not been previously published as pathogenic or benign to our knowledge